The following is an entry in ClinVar:

ClinVar aggregate classification (germline): Uncertain significance (1 of 4 stars; one submission).

Conditions:
Inborn genetic diseases. Identifiers: MedGen C0950123, MeSH D030342.

Submission:

Ambry Genetics
Classification: Uncertain significance for Inborn genetic diseases. Last evaluated: 2025-05-24. Review status: criteria provided, single submitter. Criteria: Ambry Variant Classification Scheme 2023. Collection method: clinical testing. Allele origin: germline.
Comment: The p.P15Q variant (also known as c.44C>A), located in coding exon 1 of the FANCA gene, results from a C to A substitution at nucleotide position 44. The proline at codon 15 is replaced by glutamine, an amino acid with similar properties. This amino acid position is conserved. In addition, this alteration is predicted to be tolerated by in silico analysis. Based on the available evidence, the clinical significance of this variant remains unclear.

NM_000135.4(FANCA):c.44C>A (p.Pro15Gln)

Genes: FANCA (FA complementation group A; minus strand), LOC112486223 (Sharpr-MPRA regulatory region 3988; plus strand). Cytogenetic location: 16q24.3.
Variant type: single nucleotide variant.
Coding change: c.44C>A on transcript NM_000135.4 (MANE Select); coding-DNA position 44, C replaced by A.
Protein change: p.Pro15Gln; replaces proline 15 with glutamine.
Molecular consequence: missense variant.
Genome position (GRCh38, 1-based): chr16:89,816,572, G>T on the plus strand (C>A on the coding strand, the complement: FANCA is on the minus strand). VCF-style: chr16-89816572-G-T. GRCh37 (hg19) VCF-style: chr16-89882980-G-T.
Other names: c.44C>A, p.Pro15Gln (NM_001018112.3, NM_001286167.3, NM_001351830.2); short protein forms P15Q.
Identifiers: ClinVar variation 4022310 (VCV004022310.1).
Genomic context (GRCh38, chr16:89,816,572, plus strand): 5'-CCCGCGGCCTGCCGCGCCCACCTACCCAGCAGCTCGGCCCAGGCCCTCCGGCGGCCCCCT[G>T]GGTCCTGGCCCGAGGCGGAGTTCGGGACCCACGAGTCGGACATGGCCTTGGCGCCTACAG-3'
Protein context (NP_000126.2, residues 5-25): WVPNSASGQD[Pro15Gln]GGRRRAWAEL